The following is an entry in ClinVar:

NM_000222.3(KIT):c.418G>T (p.Asp140Tyr)

Gene: KIT (KIT proto-oncogene, receptor tyrosine kinase; plus strand). Cytogenetic location: 4q12.
Variant type: single nucleotide variant.
Coding change: c.418G>T on transcript NM_000222.3 (MANE Select); coding-DNA position 418, G replaced by T.
Protein change: p.Asp140Tyr; replaces aspartic acid 140 with tyrosine.
Molecular consequence: missense variant.
Genome position (GRCh38, 1-based): chr4:54,698,364, G>T. VCF-style: chr4-54698364-G-T. GRCh37 (hg19) VCF-style: chr4-55564530-G-T.
Other names: c.418G>T, p.Asp140Tyr (NM_001093772.2, NM_001385284.1, NM_001385285.1 and 4 more transcripts); short protein forms D140Y.
Identifiers: ClinVar variation 1717829 (VCV001717829.6), dbSNP rs2109672574, ClinGen allele CA356897543.
Genomic context (GRCh38, chr4:54,698,364, plus strand): 5'-GTTGACCGCTCCTTGTATGGGAAAGAAGACAACGACACGCTGGTCCGCTGTCCTCTCACA[G>T]ACCCAGAAGTGACCAATTATTCCCTCAAGGGGTGCCAGGGGAAGCCTCTTCCCAAGGACT-3'
Protein context (NP_000213.1, residues 130-150): NDTLVRCPLT[Asp140Tyr]PEVTNYSLKG

ClinVar aggregate classification (germline): Uncertain significance (1 of 4 stars; one submission).

Conditions:
Gastrointestinal stromal tumor. Also called: Gastrointestinal stroma tumor; Gastrointestinal stromal tumor, somatic. Identifiers: Orphanet 44890, MedGen C0238198, MeSH D046152, MONDO:0011719, OMIM 606764, HP:0100723.

Submission:

Labcorp Genetics (formerly Invitae), Labcorp
Classification: Uncertain significance for Gastrointestinal stromal tumor. Last evaluated: 2022-08-23. Review status: criteria provided, single submitter. Criteria: Invitae Variant Classification Sherloc (09022015). Collection method: clinical testing. Allele origin: germline.
Comment: Algorithms developed to predict the effect of missense changes on protein structure and function (SIFT, PolyPhen-2, Align-GVGD) all suggest that this variant is likely to be disruptive. This variant has not been reported in the literature in individuals affected with KIT-related conditions. This variant is not present in population databases (gnomAD no frequency). This sequence change replaces aspartic acid, which is acidic and polar, with tyrosine, which is neutral and polar, at codon 140 of the KIT protein (p.Asp140Tyr). In summary, the available evidence is currently insufficient to determine the role of this variant in disease. Therefore, it has been classified as a Variant of Uncertain Significance.